The following is an entry in ClinVar:

NM_000059.4(BRCA2):c.7413A>G (p.Thr2471=)

Gene: BRCA2 (BRCA2 DNA repair associated; plus strand). Cytogenetic location: 13q13.1.
Variant type: single nucleotide variant.
Coding change: c.7413A>G on transcript NM_000059.4 (MANE Select); coding-DNA position 7413, A replaced by G.
Protein change: p.Thr2471=; no amino-acid change (threonine 2471 retained).
Molecular consequence: synonymous variant.
Genome position (GRCh38, 1-based): chr13:32,355,266, A>G. VCF-style: chr13-32355266-A-G. GRCh37 (hg19) VCF-style: chr13-32929403-A-G.
Identifiers: ClinVar variation 230378 (VCV000230378.77), dbSNP rs138067005, ClinGen allele CA6941088.

ClinVar aggregate classification (germline): Likely benign. Review status: reviewed by expert panel (3 of 4 stars). 16 submissions from 16 submitters: Likely benign (1). 15 of the submissions do not count toward it. Last evaluated 2017-06-29.

Conditions:
BRCA2-related disorder. Also called: BRCA2-related condition; BRCA2-related disorders. Identifiers: MedGen CN239275.
Hereditary cancer-predisposing syndrome. Also called: Neoplastic Syndromes, Hereditary; Hereditary Cancer Syndrome; Tumor predisposition; Hereditary neoplastic syndrome. Identifiers: Orphanet 140162, MedGen C0027672, MeSH D009386, MONDO:0015356.
Hereditary breast ovarian cancer syndrome. Also called: BRCA1- and BRCA2-Associated Hereditary Breast and Ovarian Cancer; Hereditary breast and ovarian cancer syndrome (HBOC); Hereditary breast and ovarian cancer syndrome; Hereditary breast and ovarian cancer; Hereditary breast and/or ovarian cancer syndrome; Breast and ovarian cancer. Identifiers: Orphanet 145, MedGen C0677776, MeSH D061325, MONDO:0003582. Disease mechanism: loss of function.
Breast-ovarian cancer, familial, susceptibility to, 2 (BROVCA2). Also called: BRCA2 Hereditary Breast and Ovarian Cancer. Identifiers: Orphanet 145, MedGen C2675520, MONDO:0012933, OMIM 612555. Disease mechanism: loss of function.
Familial cancer of breast. Also called: Hereditary breast cancer; hereditary breast carcinoma; BREAST CANCER, FAMILIAL. Identifiers: Orphanet 227535, MedGen C0346153, MONDO:0016419, OMIM 114480. Disease mechanism: loss of function.
Malignant tumor of breast. Also called: Malignant breast neoplasm; Cancer breast. Identifiers: MedGen C0006142, MONDO:0007254. Disease mechanism: loss of function.

Allele frequency attached by ClinVar (database versions not stated): gnomAD 0.00002; gnomAD exomes 0.00002 and 0.00003; TOPMed 0.00002; ExAC 0.00003; ESP Exome Variant Server 0.00008.
gnomAD v4.1: 35 of 1,613,676 alleles (0.0022%); highest among the groups gnomAD compares: Non-Finnish European, 0.003%; no homozygotes.

Submissions (16):

Evidence-based Network for the Interpretation of Germline Mutant Alleles (ENIGMA)
Classification: Likely benign for Breast-ovarian cancer, familial, susceptibility to, 2. Last evaluated: 2017-06-29. Review status: reviewed by expert panel. Criteria: ENIGMA BRCA1/2 Classification Criteria (2017-06-29). Collection method: curation. Allele origin: germline.
Comment: Synonymous substitution variant, with low bioinformatic likelihood to result in a splicing aberration (Splicing prior probability 0.02).

Labcorp Genetics (formerly Invitae), Labcorp
Classification: Likely benign for Hereditary breast ovarian cancer syndrome. Last evaluated: 2025-12-17. Review status: criteria provided, single submitter. Criteria: Invitae Variant Classification Sherloc (09022015). Collection method: clinical testing. Allele origin: germline. Not counted in ClinVar's aggregate classification.

Center for Genomic Medicine, Rigshospitalet, Copenhagen University Hospital
Classification: Likely benign. Last evaluated: 2025-03-04. Review status: criteria provided, single submitter. Criteria: ACMG Guidelines, 2015. Collection method: clinical testing. Allele origin: germline. Not counted in ClinVar's aggregate classification.

Quest Diagnostics Nichols Institute San Juan Capistrano
Classification: Likely benign. Last evaluated: 2022-12-22. Review status: criteria provided, single submitter. Criteria: Quest Diagnostics criteria. Collection method: clinical testing. Allele origin: unknown. Not counted in ClinVar's aggregate classification.

CeGaT Center for Human Genetics Tuebingen
Classification: Likely benign. Last evaluated: 2022-03-01. Review status: criteria provided, single submitter. Criteria: CeGaT Center For Human Genetics Tuebingen Variant Classification Criteria Version 2. Collection method: clinical testing. Allele origin: germline. Affected: yes. Observed: 5 variant alleles. Not counted in ClinVar's aggregate classification.
Comment: BRCA2: BP4, BP7

Sema4
Classification: Likely benign for Hereditary cancer-predisposing syndrome. Last evaluated: 2021-10-31. Review status: criteria provided, single submitter. Criteria: Sema4 Curation Guidelines. Collection method: curation. Allele origin: germline. Not counted in ClinVar's aggregate classification.

Women's Health and Genetics/Laboratory Corporation of America, LabCorp
Classification: Likely benign. Last evaluated: 2019-08-21. Review status: criteria provided, single submitter. Criteria: LabCorp Variant Classification Summary - May 2015. Collection method: clinical testing. Allele origin: germline. Not counted in ClinVar's aggregate classification.

Baylor Genetics
Classification: Benign for Familial cancer of breast. Last evaluated: 2017-02-23. Review status: criteria provided, single submitter. Criteria: ACMG Guidelines, 2015. Collection method: clinical testing. Allele origin: germline. Inheritance: Autosomal dominant inheritance. Affected: no. Not counted in ClinVar's aggregate classification.

Color Diagnostics, LLC DBA Color Health
Classification: Likely benign for Hereditary cancer-predisposing syndrome. Last evaluated: 2016-06-15. Review status: criteria provided, single submitter. Criteria: ACMG Guidelines, 2015. Collection method: clinical testing. Allele origin: germline. Not counted in ClinVar's aggregate classification.

Clinical Genetics DNA and cytogenetics Diagnostics Lab, Erasmus MC, Erasmus Medical Center
Classification: Likely benign for Breast-ovarian cancer, familial, susceptibility to, 2. Last evaluated: 2015-09-21. Review status: criteria provided, single submitter. Criteria: ACGS Guidelines, 2013. Collection method: clinical testing. Allele origin: germline. Affected: yes. Study: VKGL Data-share Consensus. Not counted in ClinVar's aggregate classification.

GeneDx
Classification: Benign. Last evaluated: 2015-06-23. Review status: criteria provided, single submitter. Criteria: GeneDx Variant Classification (06012015). Collection method: clinical testing. Allele origin: germline. Affected: yes. Not counted in ClinVar's aggregate classification.
Comment: This variant is considered likely benign or benign based on one or more of the following criteria: it is a conservative change, it occurs at a poorly conserved position in the protein, it is predicted to be benign by multiple in silico algorithms, and/or has population frequency not consistent with disease.

Ambry Genetics
Classification: Likely benign for Hereditary cancer-predisposing syndrome. Last evaluated: 2015-02-16. Review status: criteria provided, single submitter. Criteria: Ambry Variant Classification Scheme 2023. Collection method: clinical testing. Allele origin: germline. Not counted in ClinVar's aggregate classification.

PreventionGenetics, part of Exact Sciences
Classification: Likely benign for BRCA2-related condition. Last evaluated: 2022-02-17. Review status: no assertion criteria provided. Collection method: clinical testing. Allele origin: germline. Not counted in ClinVar's aggregate classification.
Comment: This variant is classified as likely benign based on ACMG/AMP sequence variant interpretation guidelines (Richards et al. 2015 PMID: 25741868, with internal and published modifications).

Clinical Genetics Laboratory, Department of Pathology, Netherlands Cancer Institute
Classification: Benign. Review status: no assertion criteria provided. Collection method: clinical testing. Allele origin: germline. Affected: yes. Study: VKGL Data-share Consensus. Not counted in ClinVar's aggregate classification.

Department of Pathology and Laboratory Medicine, Sinai Health System
Classification: Likely benign for Malignant tumor of breast. Review status: no assertion criteria provided. Collection method: clinical testing. Allele origin: unknown. Affected: yes. Study: The Canadian Open Genetics Repository (COGR). Not counted in ClinVar's aggregate classification.
Comment: The BRCA2 p.Thr2471= variant was identified in 3 of 3698 proband chromosomes (frequency: 0.001) from individuals or families with unilateral breast cancer or hereditary breast cancer (Borg 2010, Claes 2004). The variant was also identified in dbSNP (ID: rs138067005) as "With Likely benign allele" , ClinVar (classified as benign by GeneDx and Baylor Miraca Genetics Laboratories Study description; as likely benign by Invitae, Ambry Genetics, Enigma and DNA and Cytogenetics Diagnostics Unit, Erasmus Medical Center; as uncertain significance by Integrated Genetics/Laboratory Corporation of America), Clinvitae, LOVD 3.0 (4x conflicting interpretation of pathogenicity), and in UMD-LSDB (1x as unclassified variant) databases. The variant was not identified in GeneInsight-COGR, Cosmic, BIC Database, ARUP Laboratories, or Zhejiang University Database databases. The variant was identified in control databases in 8 of 245878 chromosomes at a frequency of 0.00003 (Genome Aggregation Database Feb 27, 2017). The variant observed in European population in 8 of 111442 chromosomes (freq: 0.0001), while the variant was not observed in the African, Other, Latino, Ashkenazi Jewish, East Asian, Finnish, or South Asian populations. The p.Thr2471= variant is not expected to have clinical significance because it does not result in a change of amino acid and is not located in a known consensus splice site. In addition, in silico or computational prediction software programs (SpliceSiteFinder, MaxEntScan, NNSPLICE, GeneSplicer, HumanSpliceFinder) do not predict a difference in splicing. In summary, based on the above information the clinical significance of this variant cannot be determined with certainty at this time although we would lean towards a more benign role for this variant. This variant is classified as likely benign.

Joint Genome Diagnostic Labs from Nijmegen and Maastricht, Radboudumc and MUMC+
Classification: Benign. Review status: no assertion criteria provided. Collection method: clinical testing. Allele origin: germline. Affected: yes. Study: VKGL Data-share Consensus. Not counted in ClinVar's aggregate classification.

Literature cited by the submitters: PubMed 15026808 (cited by Quest Diagnostics Nichols Institute San Juan Capistrano); PubMed 20104584 (cited by Quest Diagnostics Nichols Institute San Juan Capistrano).